The following is an entry in ClinVar:

NM_000942.5(PPIB):c.347A>G (p.Lys116Arg)

Genes: PPIB (peptidylprolyl isomerase B; minus strand), SNX22 (sorting nexin 22; plus strand). Cytogenetic location: 15q22.31.
Variant type: single nucleotide variant.
Coding change: c.347A>G on transcript NM_000942.5 (MANE Select); coding-DNA position 347, A replaced by G.
Protein change: p.Lys116Arg; replaces lysine 116 with arginine.
Molecular consequence: missense variant. On other transcripts: 3 prime UTR variant (1), non-coding transcript variant (1).
Genome position (GRCh38, 1-based): chr15:64,156,906, T>C on the plus strand (A>G on the coding strand, the complement: PPIB is on the minus strand). VCF-style: chr15-64156906-T-C. GRCh37 (hg19) VCF-style: chr15-64449105-T-C.
Other names: c.*2398T>C (NM_024798.3); short protein forms K116R.
Identifiers: ClinVar variation 2119547 (VCV002119547.5), dbSNP rs2081537322, ClinGen allele CA392817502.
Genomic context (GRCh38, chr15:64,156,906, plus strand): 5'-CCAGGCCCGTAGTGCTTCAGTTTGAAGTTCTCATCGGGGAAGCGCTCACCGTAGATGCTC[T>C]TTCCTGGGAAAAAAGACAGAGCAGGTCAGGGGCGCTGGATTGCGCCAAACCAAGCAGACA-3'
Protein context (NP_000933.1, residues 106-126): DFTRGDGTGG[Lys116Arg]SIYGERFPDE

ClinVar aggregate classification (germline): Uncertain significance. Review status: criteria provided, multiple submitters, no conflicts (2 of 4 stars). 2 submissions from 2 submitters: Uncertain significance (2). Last evaluated 2025-07-14.

Conditions:
Inborn genetic diseases. Identifiers: MedGen C0950123, MeSH D030342.

Submissions (2):

Ambry Genetics
Classification: Uncertain significance for Inborn genetic diseases. Last evaluated: 2025-07-14. Review status: criteria provided, single submitter. Criteria: Ambry Variant Classification Scheme 2023. Collection method: clinical testing. Allele origin: germline.

Labcorp Genetics (formerly Invitae), Labcorp
Classification: Uncertain significance. Last evaluated: 2022-06-13. Review status: criteria provided, single submitter. Criteria: Invitae Variant Classification Sherloc (09022015). Collection method: clinical testing. Allele origin: germline.
Comment: This variant has not been reported in the literature in individuals affected with PPIB-related conditions. In summary, the available evidence is currently insufficient to determine the role of this variant in disease. Therefore, it has been classified as a Variant of Uncertain Significance. Algorithms developed to predict the effect of sequence changes on RNA splicing suggest that this variant may create or strengthen a splice site. Algorithms developed to predict the effect of missense changes on protein structure and function are either unavailable or do not agree on the potential impact of this missense change (SIFT: "Tolerated"; PolyPhen-2: "Possibly Damaging"; Align-GVGD: "Class C0"). This variant is not present in population databases (gnomAD no frequency). This sequence change replaces lysine, which is basic and polar, with arginine, which is basic and polar, at codon 116 of the PPIB protein (p.Lys116Arg).